The following is an entry in ClinVar:

NM_000535.7(PMS2):c.314G>T (p.Gly105Val)

Gene: PMS2 (PMS1 homolog 2, mismatch repair system component; minus strand). Cytogenetic location: 7p22.1.
Variant type: single nucleotide variant.
Coding change: c.314G>T on transcript NM_000535.7 (MANE Select); coding-DNA position 314, G replaced by T.
Protein change: p.Gly105Val; replaces glycine 105 with valine.
Molecular consequence: missense variant. On other transcripts: 5 prime UTR variant (25), non-coding transcript variant (1), intron variant (21).
Genome position (GRCh38, 1-based): chr7:6,003,729, C>A on the plus strand (G>T on the coding strand, the complement: PMS2 is on the minus strand). VCF-style: chr7-6003729-C-A. GRCh37 (hg19) VCF-style: chr7-6043360-C-A.
Other names: c.-92G>T (NM_001018040.1, NM_001322003.2, NM_001322004.2 and 14 more transcripts); c.314G>T, p.Gly105Val (NM_001322006.2, NM_001406884.1, NM_001406886.1 and 8 more transcripts); c.-571G>T (NM_001322011.2, NM_001322012.2); c.-171G>T (NM_001406875.1, NM_001406877.1, NM_001406878.1 and 3 more transcripts); c.-82G>T (NM_001406890.1); c.35+243G>T (NM_001322008.2, NM_001406902.1, NM_001406883.1 and 4 more transcripts); c.-132+243G>T (NM_001406881.1, NM_001406900.1); c.-53+14G>T (NM_001406895.1, NM_001406904.1, NM_001406889.1 and 6 more transcripts); and 5 more; short protein forms G105V, G113V, G167V.
Identifiers: ClinVar variation 2855097 (VCV002855097.3), dbSNP rs876659413, ClinGen allele CA366744596.

ClinVar aggregate classification (germline): Uncertain significance (1 of 4 stars; one submission).

Conditions:
Hereditary nonpolyposis colorectal neoplasms. Identifiers: MedGen C0009405, MeSH D003123.

Submission:

Labcorp Genetics (formerly Invitae), Labcorp
Classification: Uncertain significance for Hereditary nonpolyposis colorectal neoplasms. Last evaluated: 2023-04-14. Review status: criteria provided, single submitter. Criteria: Invitae Variant Classification Sherloc (09022015). Collection method: clinical testing. Allele origin: germline.
Comment: In summary, the available evidence is currently insufficient to determine the role of this variant in disease. Therefore, it has been classified as a Variant of Uncertain Significance. Advanced modeling of protein sequence and biophysical properties (such as structural, functional, and spatial information, amino acid conservation, physicochemical variation, residue mobility, and thermodynamic stability) performed at Invitae indicates that this missense variant is expected to disrupt PMS2 protein function. This variant has not been reported in the literature in individuals affected with PMS2-related conditions. This variant is not present in population databases (gnomAD no frequency). This sequence change replaces glycine, which is neutral and non-polar, with valine, which is neutral and non-polar, at codon 105 of the PMS2 protein (p.Gly105Val).